The following is an entry in ClinVar:

ClinVar aggregate classification (germline): Likely benign. Review status: criteria provided, multiple submitters, no conflicts (2 of 4 stars). 3 submissions from 3 submitters: Likely benign (3). Last evaluated 2025-12-22.

Conditions:
Hereditary breast ovarian cancer syndrome. Also called: Breast and ovarian cancer; BRCA1- and BRCA2-Associated Hereditary Breast and Ovarian Cancer; Hereditary breast and ovarian cancer; Hereditary breast and/or ovarian cancer syndrome; Hereditary breast and ovarian cancer syndrome; Hereditary breast and ovarian cancer syndrome (HBOC). Identifiers: Orphanet 145, MedGen C0677776, MeSH D061325, MONDO:0003582. Disease mechanism: loss of function.
Hereditary cancer-predisposing syndrome. Also called: Neoplastic Syndromes, Hereditary; Tumor predisposition; Hereditary neoplastic syndrome; Hereditary Cancer Syndrome. Identifiers: Orphanet 140162, MedGen C0027672, MeSH D009386, MONDO:0015356.

Submissions (3):

Ambry Genetics
Classification: Likely benign for Hereditary cancer-predisposing syndrome. Last evaluated: 2025-12-22. Review status: criteria provided, single submitter. Criteria: Ambry Variant Classification Scheme 2023. Collection method: clinical testing. Allele origin: germline.

Labcorp Genetics (formerly Invitae), Labcorp
Classification: Likely benign for Hereditary breast ovarian cancer syndrome. Last evaluated: 2025-01-19. Review status: criteria provided, single submitter. Criteria: Invitae Variant Classification Sherloc (09022015). Collection method: clinical testing. Allele origin: germline.

GeneDx
Classification: Likely benign. Last evaluated: 2016-03-10. Review status: criteria provided, single submitter. Criteria: GeneDx Variant Classification (06012015). Collection method: clinical testing. Allele origin: germline. Affected: yes.
Comment: This variant is considered likely benign or benign based on one or more of the following criteria: it is a conservative change, it occurs at a poorly conserved position in the protein, it is predicted to be benign by multiple in silico algorithms, and/or has population frequency not consistent with disease.

NM_000059.4(BRCA2):c.7359G>A (p.Glu2453=)

Gene: BRCA2 (BRCA2 DNA repair associated; plus strand). Cytogenetic location: 13q13.1.
Variant type: single nucleotide variant.
Coding change: c.7359G>A on transcript NM_000059.4 (MANE Select); coding-DNA position 7359, G replaced by A.
Protein change: p.Glu2453=; no amino-acid change (glutamic acid 2453 retained).
Molecular consequence: synonymous variant.
Genome position (GRCh38, 1-based): chr13:32,355,212, G>A. VCF-style: chr13-32355212-G-A. GRCh37 (hg19) VCF-style: chr13-32929349-G-A.
Identifiers: ClinVar variation 384688 (VCV000384688.10), dbSNP rs1057522034, ClinGen allele CA16606700.